The following is an entry in ClinVar:

NM_000264.5(PTCH1):c.4076G>A (p.Ser1359Asn)

Gene: PTCH1 (patched 1; minus strand). Cytogenetic location: 9q22.32.
Variant type: single nucleotide variant.
Coding change: c.4076G>A on transcript NM_000264.5 (MANE Select); coding-DNA position 4076, G replaced by A.
Protein change: p.Ser1359Asn; replaces serine 1359 with asparagine.
Molecular consequence: missense variant. On other transcripts: non-coding transcript variant (1).
Genome position (GRCh38, 1-based): chr9:95,447,180, C>T on the plus strand (G>A on the coding strand, the complement: PTCH1 is on the minus strand). VCF-style: chr9-95447180-C-T. GRCh37 (hg19) VCF-style: chr9-98209462-C-T.
Other names: c.3878G>A, p.Ser1293Asn (NM_001083602.3); c.4073G>A, p.Ser1358Asn (NM_001083603.3); c.3623G>A, p.Ser1208Asn (NM_001083604.3, NM_001083605.3, NM_001083606.3 and 1 more transcripts); c.3920G>A, p.Ser1307Asn (NM_001354918.2); short protein forms S1358N, S1208N, S1293N, S1307N, S1359N.
Identifiers: ClinVar variation 824569 (VCV000824569.12), dbSNP rs745451899, ClinGen allele CA374110366.

ClinVar aggregate classification (germline): Conflicting classifications of pathogenicity. Review status: criteria provided, conflicting classifications (1 of 4 stars). 2 submissions from 2 submitters: Uncertain significance (1); Likely benign (1). Last evaluated 2026-01-11.

Conditions:
Gorlin syndrome. Also called: Nevoid Basal Cell Carcinoma Syndrome; Basal cell nevus syndrome. Identifiers: Orphanet 377, MedGen C0004779, MONDO:0007187.
Hereditary cancer-predisposing syndrome. Also called: Neoplastic Syndromes, Hereditary; Hereditary Cancer Syndrome; Hereditary neoplastic syndrome; Tumor predisposition. Identifiers: Orphanet 140162, MedGen C0027672, MeSH D009386, MONDO:0015356.

Allele frequency attached by ClinVar (database versions not stated): TOPMed 0.00002; gnomAD 0.00004.
gnomAD v4.1: 11 of 1,612,940 alleles (0.00068%); highest among the groups gnomAD compares: Admixed American, 0.01%; no homozygotes.

Submissions (2):

Labcorp Genetics (formerly Invitae), Labcorp
Classification: Likely benign for Gorlin syndrome. Last evaluated: 2026-01-11. Review status: criteria provided, single submitter. Criteria: Invitae Variant Classification Sherloc (09022015). Collection method: clinical testing. Allele origin: germline.

Ambry Genetics
Classification: Uncertain significance for Hereditary cancer-predisposing syndrome. Last evaluated: 2025-03-09. Review status: criteria provided, single submitter. Criteria: Ambry Variant Classification Scheme 2023. Collection method: clinical testing. Allele origin: germline.
Comment: The p.S1359N variant (also known as c.4076G>A), located in coding exon 23 of the PTCH1 gene, results from a G to A substitution at nucleotide position 4076. The serine at codon 1359 is replaced by asparagine, an amino acid with highly similar properties. This amino acid position is not well conserved in available vertebrate species. In addition, this alteration is predicted to be tolerated by in silico analysis. Since supporting evidence is limited at this time, the clinical significance of this alteration remains unclear.